The following is an entry in ClinVar:

ClinVar aggregate classification (germline): Likely benign. Review status: criteria provided, multiple submitters, no conflicts (2 of 4 stars). 4 submissions from 4 submitters: Likely benign (4). Last evaluated 2026-03-16.

Conditions:
Hereditary spastic paraplegia 30. Identifiers: Orphanet 101010, MedGen C5235139, MONDO:0012476.
Neuropathy, hereditary sensory, type 2C. Also called: Hereditary sensory and autonomic neuropathy type IIC; KIF1A-Related HSAN2 (HSAN2C). Identifiers: Orphanet 970, MedGen C3280168, MONDO:0013634, OMIM 614213.
Intellectual disability, autosomal dominant 9 (NESCAVS). Also called: NESCAV SYNDROME; KIF1A-Related Neurodevelopmental Disorder. Identifiers: Orphanet 662367, MedGen C5393830, MONDO:0013656, OMIM 614255.
KIF1A-related disorder. Also called: KIF1A-related disorders; KIF1A-related condition.

Allele frequency attached by ClinVar (database versions not stated): TOPMed 0.00002; gnomAD 0.00003; gnomAD exomes 0.00003 and 0.00004; ExAC 0.00006.
gnomAD v4.1: 59 of 1,548,400 alleles (0.0038%); highest among the groups gnomAD compares: Middle Eastern, 0.02%; no homozygotes.

Submissions (4):

PreventionGenetics, part of Exact Sciences
Classification: Likely benign for KIF1A-related condition. Last evaluated: 2026-03-16. Review status: criteria provided, single submitter. Criteria: ACMG Guidelines, 2015. Collection method: clinical testing. Allele origin: germline.
Comment: This variant is classified as likely benign based on ACMG/AMP sequence variant interpretation guidelines (Richards et al. 2015 PMID: 25741868, with internal and published modifications).

CeGaT Center for Human Genetics Tuebingen
Classification: Likely benign. Last evaluated: 2026-01-01. Review status: criteria provided, single submitter. Criteria: CeGaT Center For Human Genetics Tuebingen Variant Classification Criteria Version 2. Collection method: clinical testing. Allele origin: germline. Affected: yes. Observed: 1 variant allele.
Comment: KIF1A: BP4, BP7

Labcorp Genetics (formerly Invitae), Labcorp
Classification: Likely benign for Hereditary spastic paraplegia 30; Neuropathy, hereditary sensory, type 2C; Intellectual disability, autosomal dominant 9. Last evaluated: 2025-03-19. Review status: criteria provided, single submitter. Criteria: Invitae Variant Classification Sherloc (09022015). Collection method: clinical testing. Allele origin: germline.

GeneDx
Classification: Likely benign. Last evaluated: 2020-10-07. Review status: criteria provided, single submitter. Criteria: GeneDx Variant Classification Process June 2021. Collection method: clinical testing. Allele origin: germline. Affected: yes.

NM_001244008.2(KIF1A):c.4599C>G (p.Leu1533=)

Gene: KIF1A (kinesin family member 1A; minus strand). Cytogenetic location: 2q37.3.
Variant type: single nucleotide variant.
Coding change: c.4599C>G on transcript NM_001244008.2 (MANE Select); coding-DNA position 4599, C replaced by G.
Protein change: p.Leu1533=; no amino-acid change (leucine 1533 retained).
Molecular consequence: synonymous variant.
Genome position (GRCh38, 1-based): chr2:240,722,522, G>C on the plus strand (C>G on the coding strand, the complement: KIF1A is on the minus strand). VCF-style: chr2-240722522-G-C. GRCh37 (hg19) VCF-style: chr2-241661939-G-C.
Other names: c.4599C>G (NM_001244008.1); c.4323C>G, p.Leu1441= (NM_001320705.2, NM_001379649.1); c.4350C>G, p.Leu1450= (NM_001330289.2); c.4398C>G, p.Leu1466= (NM_001330290.2, NM_001379648.1); c.4674C>G, p.Leu1558= (NM_001379631.1); c.4575C>G, p.Leu1525= (NM_001379632.1); c.4572C>G, p.Leu1524= (NM_001379633.1, NM_001379645.1); c.4425C>G, p.Leu1475= (NM_001379634.1); and 8 more.
Identifiers: ClinVar variation 1203767 (VCV001203767.16), dbSNP rs755599142, ClinGen allele CA2207380.